The following is an entry in ClinVar:

ClinVar aggregate classification (germline): Uncertain significance (1 of 4 stars; one submission).

Conditions:
Familial thoracic aortic aneurysm and aortic dissection (TAAD). Also called: Thoracic aortic aneurysms and dissections. Identifiers: Orphanet 91387, MedGen C4707243, MONDO:0019625.
Marfan syndrome (MFS). Also called: MARFAN SYNDROME, TYPE I; Marfan syndrome type 1; Marfan's syndrome; Marfan syndrome, classic; FBN1-Related Marfan Syndrome. Identifiers: Orphanet 284963, Orphanet 558, MedGen C0024796, MONDO:0007947, OMIM 154700.

Submission:

Labcorp Genetics (formerly Invitae), Labcorp
Classification: Uncertain significance for Marfan syndrome; Familial thoracic aortic aneurysm and aortic dissection. Last evaluated: 2022-02-14. Review status: criteria provided, single submitter. Criteria: Invitae Variant Classification Sherloc (09022015). Collection method: clinical testing. Allele origin: germline.
Comment: This sequence change replaces aspartic acid, which is acidic and polar, with alanine, which is neutral and non-polar, at codon 483 of the FBN1 protein (p.Asp483Ala). In summary, the available evidence is currently insufficient to determine the role of this variant in disease. Therefore, it has been classified as a Variant of Uncertain Significance. Algorithms developed to predict the effect of missense changes on protein structure and function are either unavailable or do not agree on the potential impact of this missense change (SIFT: "Deleterious"; PolyPhen-2: "Benign"; Align-GVGD: "Class C0"). This variant has not been reported in the literature in individuals affected with FBN1-related conditions. This variant is not present in population databases (gnomAD no frequency).

NM_000138.5(FBN1):c.1448A>C (p.Asp483Ala)

Gene: FBN1 (fibrillin 1; minus strand). Cytogenetic location: 15q21.1.
Variant type: single nucleotide variant.
Coding change: c.1448A>C on transcript NM_000138.5 (MANE Select); coding-DNA position 1448, A replaced by C.
Protein change: p.Asp483Ala; replaces aspartic acid 483 with alanine.
Molecular consequence: missense variant.
Genome position (GRCh38, 1-based): chr15:48,515,407, T>G on the plus strand (A>C on the coding strand, the complement: FBN1 is on the minus strand). VCF-style: chr15-48515407-T-G. GRCh37 (hg19) VCF-style: chr15-48807604-T-G.
Other names: c.1448A>C, p.Asp483Ala (NM_001406716.1); short protein forms D483A.
Identifiers: ClinVar variation 2090244 (VCV002090244.4), dbSNP rs2505617428, ClinGen allele CA392343642.
Genomic context (GRCh38, chr15:48,515,407, plus strand): 5'-ACAACAGACCCTTGGTGCCAACCTAGGATGGATCACGTACCAATACACTCCCCACGGAGG[T>G]CCAGCTGGAACCCTTTGTTGCACTCACACCGGTAACTCCCAGGAGTTGGAATGCAGCGTC-3'
Protein context (NP_000129.3, residues 473-493): RCECNKGFQL[Asp483Ala]LRGECIDVDE